The following is an entry in ClinVar:

ClinVar aggregate classification (germline): Uncertain significance (1 of 4 stars; one submission).

Conditions:
Methylcobalamin deficiency type cblG (HMAG). Also called: HOMOCYSTINURIA-MEGALOBLASTIC ANEMIA DUE TO DEFECT IN COBALAMIN METABOLISM, cblG COMPLEMENTATION TYPE; HOMOCYSTINURIA-MEGALOBLASTIC ANEMIA, cblG COMPLEMENTATION TYPE; Functional methionine synthase deficiency type cblG; HOMOCYSTINURIA-MEGALOBLASTIC ANEMIA, cblG TYPE. Identifiers: Orphanet 2170, Orphanet 622, MedGen C1855128, MONDO:0009609, OMIM 250940.

Submission:

Labcorp Genetics (formerly Invitae), Labcorp
Classification: Uncertain significance for Methylcobalamin deficiency type cblG. Last evaluated: 2022-10-27. Review status: criteria provided, single submitter. Criteria: Invitae Variant Classification Sherloc (09022015). Collection method: clinical testing. Allele origin: germline.
Comment: A copy number gain of the genomic region encompassing the full coding sequence of the MTR gene has been identified. The boundaries of this event are unknown as they extend beyond the assayed region for this gene and therefore may encompass additional genes. As the precise location of this event is unknown, it may be in tandem or it may be located elsewhere in the genome. This variant has not been reported in the literature in individuals affected with MTR-related conditions. In summary, the available evidence is currently insufficient to determine the role of this variant in disease. Therefore, it has been classified as a Variant of Uncertain Significance.

NC_000001.10:g.(?_236959004)_(237060944_?)dup

Gene: MTR (5-methyltetrahydrofolate-homocysteine methyltransferase; plus strand). Cytogenetic location: 1q43.
Variant type: Duplication.
Identifiers: ClinVar variation 2422678 (VCV002422678.3).